The following is an entry in ClinVar:

NM_144573.4(NEXN):c.777A>G (p.Gln259=)

Gene: NEXN (nexilin F-actin binding protein; plus strand). Cytogenetic location: 1p31.1.
Variant type: single nucleotide variant.
Coding change: c.777A>G on transcript NM_144573.4 (MANE Select); coding-DNA position 777, A replaced by G.
Protein change: p.Gln259=; no amino-acid change (glutamine 259 retained).
Molecular consequence: synonymous variant.
Genome position (GRCh38, 1-based): chr1:77,926,805, A>G. VCF-style: chr1-77926805-A-G. GRCh37 (hg19) VCF-style: chr1-78392490-A-G.
Other names: p.Gln259=; c.585A>G, p.Gln195= (NM_001172309.2).
Identifiers: ClinVar variation 47912 (VCV000047912.26), dbSNP rs375544798, ClinGen allele CA142171.
Genomic context (GRCh38, chr1:77,926,805, plus strand): 5'-AGAATCACTTTCTCCCGGAAAATTGAAACTAACTTTTGAAGAACTGGAGCGACAAAGACA[A>G]GAAAACCGAAAGAAGCAAGCTGAAGAGGAAGCAAGAAAACGTTTAGAAGAAGAGAAGCGT-3'
Protein context (NP_653174.3, residues 249-269): LTFEELERQR[Gln259=]ENRKKQAEEE

ClinVar aggregate classification (germline): Benign/Likely benign. Review status: criteria provided, multiple submitters, no conflicts (2 of 4 stars). 9 submissions from 9 submitters: Benign (3); Likely benign (4). 2 of the submissions do not count toward it. Last evaluated 2026-01-12.

Conditions:
Cardiovascular phenotype. Identifiers: MedGen CN230736.
Dilated cardiomyopathy 1CC (CMD1CC). Identifiers: Orphanet 154, MedGen C2751084, MONDO:0013147, OMIM 613122.
Hypertrophic cardiomyopathy 20. Identifiers: MedGen C3151267, MONDO:0013477, OMIM 613876.

Allele frequency attached by ClinVar (database versions not stated): gnomAD exomes 0.00005 and 0.00018; ExAC 0.00020; gnomAD 0.00071 and 0.00077; TOPMed 0.00077; ESP Exome Variant Server 0.00093; 1000 Genomes Project 0.00120; 1000 Genomes Project 30x 0.00141.
gnomAD v4.1: 181 of 1,614,078 alleles (0.011%); highest among the groups gnomAD compares: African/African-American, 0.21%; no homozygotes.

Submissions (9):

Labcorp Genetics (formerly Invitae), Labcorp
Classification: Benign for Dilated cardiomyopathy 1CC; Hypertrophic cardiomyopathy 20. Last evaluated: 2026-01-12. Review status: criteria provided, single submitter. Criteria: Invitae Variant Classification Sherloc (09022015). Collection method: clinical testing. Allele origin: germline.

Molecular Diagnostic Laboratory for Inherited Cardiovascular Disease, Montreal Heart Institute
Classification: Likely benign. Last evaluated: 2025-04-09. Review status: criteria provided, single submitter. Criteria: ACMG Guidelines, 2015. Collection method: clinical testing. Allele origin: germline. Affected: no.

Mayo Clinic Laboratories, Mayo Clinic
Classification: Likely benign. Last evaluated: 2024-11-11. Review status: criteria provided, single submitter. Criteria: ACMG Guidelines, 2015. Collection method: clinical testing. Allele origin: germline. Observed: 2 variant alleles.
Comment: BS1, BP4, BP7

ARUP Laboratories, Molecular Genetics and Genomics, ARUP Laboratories
Classification: Benign. Last evaluated: 2023-12-14. Review status: criteria provided, single submitter. Criteria: ARUP Molecular Germline Variant Investigation Process 2024. Collection method: clinical testing. Allele origin: germline.

Ambry Genetics
Classification: Likely benign for Cardiovascular phenotype. Last evaluated: 2016-05-31. Review status: criteria provided, single submitter. Criteria: Ambry Variant Classification Scheme 2023. Collection method: clinical testing. Allele origin: germline.

GeneDx
Classification: Benign. Last evaluated: 2015-08-19. Review status: criteria provided, single submitter. Criteria: GeneDx Variant Classification (06012015). Collection method: clinical testing. Allele origin: germline. Affected: yes.
Comment: This variant is considered likely benign or benign based on one or more of the following criteria: it is a conservative change, it occurs at a poorly conserved position in the protein, it is predicted to be benign by multiple in silico algorithms, and/or has population frequency not consistent with disease.

Laboratory for Molecular Medicine, Mass General Brigham Personalized Medicine
Classification: Likely benign. Last evaluated: 2012-07-18. Review status: criteria provided, single submitter. Criteria: LMM Criteria. Collection method: clinical testing. Allele origin: germline. Observed: 2 variant alleles.
Comment: Gln259Gln in exon 8 of NEXN: This variant is not expected to have clinical signi ficance because it does not alter an amino acid residue and is not located withi n the splice consensus sequence. It has been identified in 0.3% (11/3678) of Afr ican American chromosomes from a broad population by the NHLBI Exome Sequencing Project. Gln259Gln in exon 8 of NEXN (allele frequency = 0.3%, 11/3678) **

Clinical Genetics DNA and cytogenetics Diagnostics Lab, Erasmus MC, Erasmus Medical Center
Classification: Likely benign. Review status: no assertion criteria provided. Collection method: clinical testing. Allele origin: germline. Affected: yes. Study: VKGL Data-share Consensus. Not counted in ClinVar's aggregate classification.

Clinical Genetics, Academic Medical Center
Classification: Benign. Review status: no assertion criteria provided. Collection method: clinical testing. Allele origin: germline. Affected: yes. Study: VKGL Data-share Consensus. Not counted in ClinVar's aggregate classification.